The following is an entry in ClinVar:

NM_000443.4(ABCB4):c.2406G>A (p.Trp802Ter)

Gene: ABCB4 (ATP binding cassette subfamily B member 4; minus strand). Cytogenetic location: 7q21.12.
Variant type: single nucleotide variant.
Coding change: c.2406G>A on transcript NM_000443.4 (MANE Select); coding-DNA position 2406, G replaced by A.
Protein change: p.Trp802Ter; replaces tryptophan 802 with a stop codon.
Molecular consequence: nonsense.
Genome position (GRCh38, 1-based): chr7:87,418,609, C>T on the plus strand (G>A on the coding strand, the complement: ABCB4 is on the minus strand). VCF-style: chr7-87418609-C-T. GRCh37 (hg19) VCF-style: chr7-87047925-C-T.
Other names: c.2406G>A, p.Trp802Ter (NM_018849.3, NM_018850.3); short protein forms W802*.
Identifiers: ClinVar variation 4846672 (VCV004846672.1).
Genomic context (GRCh38, chr7:87,418,609, plus strand): 5'-GGCAGCATCTGTGGCAAGTCTTGTAGAAAGTGCACCAGTACTGTTTTTATGGTCATCAAA[C>T]CAGCTCATGTCCTATGGCATAAAATACACGTTTATGTTAGTTCAAAATTAAAACAAGCAA-3'

ClinVar aggregate classification (germline): Pathogenic (1 of 4 stars; one submission).

Conditions:
Low phospholipid associated cholelithiasis (GBD1). Also called: Gallbladder disease 1; Gallstone cholecystitis. Identifiers: Orphanet 69663, MedGen C2609268, MONDO:0010939, OMIM 600803.

Submission:

Genomenon, Inc
Classification: Pathogenic for Low phospholipid associated cholelithiasis. Last evaluated: 2026-04-14. Review status: criteria provided, single submitter. Criteria: Genomenon Sequence Variant Interpretation Standards - Updated. Collection method: curation. Allele origin: germline. Affected: yes.
Comment: ABCB4 p.Trp802Ter (c.2406G>A) is a nonsense variant that introduces a premature stop codon at amino acid position 802, creating a truncated protein that is predicted to undergo nonsense-mediated mRNA decay. This variant has been observed in at least one proband with an ABCB4-related disorder (PMID:23533021). It is absent or not present at a significant frequency in gnomAD. In conclusion, we classify ABCB4 p.Trp802Ter (c.2406G>A) as a pathogenic variant.

Literature cited by the submitters: PubMed 23533021.